The following is an entry in ClinVar:

ClinVar aggregate classification (germline): Uncertain significance (1 of 4 stars; one submission).

Conditions:
DICER1-related tumor predisposition. Also called: DICER1-related pleuropulmonary blastoma cancer predisposition syndrome; DICER1 syndrome. Identifiers: Orphanet 284343, MedGen C3839822, MONDO:0100216.

Submission:

Labcorp Genetics (formerly Invitae), Labcorp
Classification: Uncertain significance for DICER1-related tumor predisposition. Last evaluated: 2023-11-20. Review status: criteria provided, single submitter. Criteria: Invitae Variant Classification Sherloc (09022015). Collection method: clinical testing. Allele origin: germline.
Comment: This sequence change replaces glutamic acid, which is acidic and polar, with aspartic acid, which is acidic and polar, at codon 431 of the DICER1 protein (p.Glu431Asp). This variant is not present in population databases (gnomAD no frequency). This variant has not been reported in the literature in individuals affected with DICER1-related conditions. An algorithm developed to predict the effect of missense changes on protein structure and function (PolyPhen-2) suggests that this variant is likely to be tolerated. In summary, the available evidence is currently insufficient to determine the role of this variant in disease. Therefore, it has been classified as a Variant of Uncertain Significance.

NM_177438.3(DICER1):c.1293G>C (p.Glu431Asp)

Gene: DICER1 (dicer 1, ribonuclease III; minus strand). Cytogenetic location: 14q32.13.
Variant type: single nucleotide variant.
Coding change: c.1293G>C on transcript NM_177438.3 (MANE Select); coding-DNA position 1293, G replaced by C.
Protein change: p.Glu431Asp; replaces glutamic acid 431 with aspartic acid.
Molecular consequence: missense variant. On other transcripts: 5 prime UTR variant (1), non-coding transcript variant (6).
Genome position (GRCh38, 1-based): chr14:95,124,279, C>G on the plus strand (G>C on the coding strand, the complement: DICER1 is on the minus strand). VCF-style: chr14-95124279-C-G. GRCh37 (hg19) VCF-style: chr14-95590616-C-G.
Other names: c.1293G>C, p.Glu431Asp (NM_001395680.1, NM_001395681.1, NM_001395682.1 and 15 more transcripts); c.1011G>C, p.Glu337Asp (NM_001395686.1); c.888G>C, p.Glu296Asp (NM_001395687.1, NM_001395688.1, NM_001395689.1 and 3 more transcripts); c.726G>C, p.Glu242Asp (NM_001395691.1); c.-276G>C (NM_001395697.1); short protein forms E242D, E431D, E296D, E337D.
Identifiers: ClinVar variation 2697556 (VCV002697556.3), dbSNP rs552975520, ClinGen allele CA390886301.